The following is an entry in ClinVar:

ClinVar aggregate classification (germline): Conflicting classifications of pathogenicity. Review status: criteria provided, conflicting classifications (1 of 4 stars). 2 submissions from 2 submitters: Pathogenic (1); Uncertain significance (1). Last evaluated 2024-07-18.

Conditions:
Mucopolysaccharidosis, MPS-IV-A (MPS4A). Also called: Mucopolysaccharidosis type IV A; Mucopolysaccharidosis Type IVA; Morquio syndrome A, mild; MORQUIO SYNDROME A; MPS IVA; mucopolysaccharidosis type 4A. Identifiers: Orphanet 309297, Orphanet 582, MedGen C0086651, MONDO:0009659, OMIM 253000.
Morquio syndrome. Also called: Mucopolysaccharidosis, Type IV; MPS IV; Mucopolysaccharidosis type 4; Eccentrochondrodysplasia. Identifiers: Orphanet 582, MedGen C0026707, MONDO:0018938.

Submissions (2):

Women's Health and Genetics/Laboratory Corporation of America, LabCorp
Classification: Pathogenic for Morquio syndrome. Last evaluated: 2024-07-18. Review status: criteria provided, single submitter. Criteria: LabCorp Variant Classification Summary - May 2015. Collection method: clinical testing. Allele origin: germline.
Comment: Variant summary: GALNS c.1140G>T (p.Arg380Ser) results in a non-conservative amino acid change in the encoded protein sequence at the first nucleotide position of exon 11 adjacent to the intron 10/exon 11 splice acceptor site. Four of five in-silico tools predict a damaging effect of the variant on protein function. Several computational tools predict a significant impact on normal splicing: Three predict the variant weakens a 3' acceptor site. However, these predictions have yet to be confirmed by functional studies. The variant was absent in 248480 control chromosomes. c.1140G>T has been reported in the literature in multiple compound heterozygous individuals affected with Mucopolysaccharidosis Type IVA (Morquio Syndrome A) presenting as a mild phenotype (e.g. Montano_2007, Tomatsu_2004). These data indicate that the variant is likely to be associated with disease. Multiple publications report experimental evidence evaluating an impact on protein function showing the variant results in <10% of normal enzyme activity in vitro (e.g. Montano_2007, Tomatsu_2004). The following publications have been ascertained in the context of this evaluation (PMID: 17876718, 16287098). ClinVar contains an entry for this variant (Variation ID: 1048227). Based on the evidence outlined above, the variant was classified as pathogenic.

Laboratory of Diagnosis and Therapy of Lysosomal Disorders, University of Padova
Classification: Uncertain significance for Mucopolysaccharidosis, MPS-IV-A. Last evaluated: 2021-02-01. Review status: criteria provided, single submitter. Criteria: ACMG Guidelines, 2015. Collection method: curation. Allele origin: germline. Affected: yes.
Comment: In vitro functional studies supportive of a damaging effect on the gene product (low to null in vitro enzymatic activity; PS3_supporting); the prevalence of the variant in affected individuals is significantly increased compared with the prevalence in controls (PS4_supporting); absent from gnomAD v2.1.1 (PM2_moderate)

Literature cited by the submitters: PubMed 16287098 (cited by Women's Health and Genetics/Laboratory Corporation of America, LabCorp and Laboratory of Diagnosis and Therapy of Lysosomal Disorders, University of Padova); PubMed 17876718 (cited by Women's Health and Genetics/Laboratory Corporation of America, LabCorp and Laboratory of Diagnosis and Therapy of Lysosomal Disorders, University of Padova); PubMed 15309681 (cited by Laboratory of Diagnosis and Therapy of Lysosomal Disorders, University of Padova); PubMed 34387910 (cited by Laboratory of Diagnosis and Therapy of Lysosomal Disorders, University of Padova).

NM_000512.5(GALNS):c.1140G>T (p.Arg380Ser)

Gene: GALNS (galactosamine (N-acetyl)-6-sulfatase; minus strand). Cytogenetic location: 16q24.3.
Variant type: single nucleotide variant.
Coding change: c.1140G>T on transcript NM_000512.5 (MANE Select); coding-DNA position 1140, G replaced by T.
Protein change: p.Arg380Ser; replaces arginine 380 with serine.
Molecular consequence: missense variant.
Genome position (GRCh38, 1-based): chr16:88,824,869, C>A on the plus strand (G>T on the coding strand, the complement: GALNS is on the minus strand). VCF-style: chr16-88824869-C-A. GRCh37 (hg19) VCF-style: chr16-88891277-C-A.
Other names: c.585G>T, p.Arg195Ser (NM_001323543.2); c.1158G>T, p.Arg386Ser (NM_001323544.2); short protein forms R195S, R380S, R386S.
Identifiers: ClinVar variation 1048227 (VCV001048227.4), dbSNP rs200763834, ClinGen allele CA397097768.